The following is an entry in ClinVar:

NM_004366.6(CLCN2):c.1639A>C (p.Ser547Arg)

Gene: CLCN2 (chloride voltage-gated channel 2; minus strand). Cytogenetic location: 3q27.1.
Variant type: single nucleotide variant.
Coding change: c.1639A>C on transcript NM_004366.6 (MANE Select); coding-DNA position 1639, A replaced by C.
Protein change: p.Ser547Arg; replaces serine 547 with arginine.
Molecular consequence: missense variant.
Genome position (GRCh38, 1-based): chr3:184,354,183, T>G on the plus strand (A>C on the coding strand, the complement: CLCN2 is on the minus strand). VCF-style: chr3-184354183-T-G. GRCh37 (hg19) VCF-style: chr3-184071971-T-G.
Other names: c.1588A>C, p.Ser530Arg (NM_001171087.3); c.1507A>C, p.Ser503Arg (NM_001171088.3); c.1639A>C, p.Ser547Arg (NM_001171089.3); short protein forms S503R, S530R, S547R.
Identifiers: ClinVar variation 1318421 (VCV001318421.2), dbSNP rs2108565587, ClinGen allele CA355449650.

ClinVar aggregate classification (germline): Uncertain significance (1 of 4 stars; one submission).

Submission:

GeneDx
Classification: Uncertain significance. Last evaluated: 2019-08-09. Review status: criteria provided, single submitter. Criteria: GeneDx Variant Classification Process June 2021. Collection method: clinical testing. Allele origin: germline. Affected: yes.
Comment: Not observed in large population cohorts (Lek et al., 2016); In silico analysis, which includes protein predictors and evolutionary conservation, supports a deleterious effect; Has not been previously published as pathogenic or benign to our knowledge